The following is an entry in ClinVar:

NM_001384910.1(GUCA1A):c.201+3G>C

Genes: GUCA1A (guanylate cyclase activator 1A; plus strand), GUCA1ANB-GUCA1A (GUCA1ANB-GUCA1A readthrough; plus strand). Cytogenetic location: 6p21.1.
Variant type: single nucleotide variant.
Coding change: c.201+3G>C on transcript NM_001384910.1 (MANE Select); 3 bases into the intron after coding-DNA position 201, G replaced by C.
Molecular consequence: intron variant.
Genome position (GRCh38, 1-based): chr6:42,173,817, G>C. VCF-style: chr6-42173817-G-C. GRCh37 (hg19) VCF-style: chr6-42141555-G-C.
Other names: c.201+3G>C (NM_001319061.2, NM_000409.5, NM_001319062.2).
Identifiers: ClinVar variation 1495642 (VCV001495642.6), dbSNP rs1033016113, ClinGen allele CA138135134.

ClinVar aggregate classification (germline): Uncertain significance (1 of 4 stars; one submission).

gnomAD v4.1: 2 of 1,610,260 alleles (0.00012%); highest among the groups gnomAD compares: Non-Finnish European, 0.00017%; no homozygotes.

Submission:

Labcorp Genetics (formerly Invitae), Labcorp
Classification: Uncertain significance. Last evaluated: 2023-12-11. Review status: criteria provided, single submitter. Criteria: Invitae Variant Classification Sherloc (09022015). Collection method: clinical testing. Allele origin: germline.
Comment: This sequence change falls in intron 3 of the GUCA1A gene. It does not directly change the encoded amino acid sequence of the GUCA1A protein. It affects a nucleotide within the consensus splice site. This variant is not present in population databases (gnomAD no frequency). This variant has not been reported in the literature in individuals affected with GUCA1A-related conditions. ClinVar contains an entry for this variant (Variation ID: 1495642). Variants that disrupt the consensus splice site are a relatively common cause of aberrant splicing (PMID: 17576681, 9536098). Algorithms developed to predict the effect of sequence changes on RNA splicing suggest that this variant is not likely to affect RNA splicing. In summary, the available evidence is currently insufficient to determine the role of this variant in disease. Therefore, it has been classified as a Variant of Uncertain Significance.

Literature cited by the submitters: PubMed 17576681; PubMed 9536098.